The following is an entry in ClinVar:

ClinVar aggregate classification (germline): Uncertain significance (1 of 4 stars; one submission).

Submission:

GeneDx
Classification: Uncertain significance. Last evaluated: 2020-07-21. Review status: criteria provided, single submitter. Criteria: GeneDx Variant Classification Process June 2021. Collection method: clinical testing. Allele origin: germline. Affected: yes.
Comment: Not observed in large population cohorts (Lek et al., 2016); In silico analysis supports that this missense variant does not alter protein structure/function; Has not been previously published as pathogenic or benign to our knowledge

NM_022124.6(CDH23):c.7843C>A (p.Pro2615Thr)

Gene: CDH23 (cadherin related 23; plus strand). Cytogenetic location: 10q22.1.
Variant type: single nucleotide variant.
Coding change: c.7843C>A on transcript NM_022124.6 (MANE Select); coding-DNA position 7843, C replaced by A.
Protein change: p.Pro2615Thr; replaces proline 2615 with threonine.
Molecular consequence: missense variant.
Genome position (GRCh38, 1-based): chr10:71,803,391, C>A. VCF-style: chr10-71803391-C-A. GRCh37 (hg19) VCF-style: chr10-73563148-C-A.
Other names: c.1123C>A, p.Pro375Thr (NM_001171933.1, NM_001171934.1); short protein forms P2615T, P375T.
Identifiers: ClinVar variation 1313096 (VCV001313096.2), dbSNP rs1420518082, ClinGen allele CA377161632.
Genomic context (GRCh38, chr10:71,803,391, plus strand): 5'-ACCATGCTCCTGGTGGAGGTCATCGACGTCAATGACAACCGCCCTGTCTTTGTGCGCCCA[C>A]CCAACGGCACCATCCTCCACATCAGAGAGGTACTCCTGCCCCGAGGGCCTCCTGCCCACC-3'
Protein context (NP_071407.4, residues 2605-2625): NDNRPVFVRP[Pro2615Thr]NGTILHIREE